The following is an entry in ClinVar:

NM_003924.4(PHOX2B):c.406G>C (p.Asp136His)

Gene: PHOX2B (paired like homeobox 2B; minus strand). Cytogenetic location: 4p13.
Variant type: single nucleotide variant.
Coding change: c.406G>C on transcript NM_003924.4 (MANE Select); coding-DNA position 406, G replaced by C.
Protein change: p.Asp136His; replaces aspartic acid 136 with histidine.
Molecular consequence: missense variant.
Genome position (GRCh38, 1-based): chr4:41,747,372, C>G on the plus strand (G>C on the coding strand, the complement: PHOX2B is on the minus strand). VCF-style: chr4-41747372-C-G. GRCh37 (hg19) VCF-style: chr4-41749389-C-G.
Other names: short protein forms D136H.
Identifiers: ClinVar variation 3223586 (VCV003223586.1), dbSNP rs2153112925, ClinGen allele CA356739861.
Genomic context (GRCh38, chr4:41,747,372, plus strand): 5'-GTGCGGCGGAGCGGGGTCGGTTTCCAGGCGCGCGTACCTGGACTCGCGCCTCTGTGAGGT[C>G]GATCTTCAGGGCCAGCTCCTCCCGAGTGTAGATGTCGGGGTAGTGAGTCTCCGCGAAGAC-3'
Protein context (NP_003915.2, residues 126-146): YTREELALKI[Asp136His]LTEARVQVWF

ClinVar aggregate classification (germline): Uncertain significance (1 of 4 stars; one submission).

Conditions:
Hereditary cancer-predisposing syndrome. Also called: Tumor predisposition; Hereditary neoplastic syndrome; Hereditary Cancer Syndrome; Neoplastic Syndromes, Hereditary. Identifiers: Orphanet 140162, MedGen C0027672, MeSH D009386, MONDO:0015356.

Submission:

Ambry Genetics
Classification: Uncertain significance for Hereditary cancer-predisposing syndrome. Last evaluated: 2024-02-29. Review status: criteria provided, single submitter. Criteria: Ambry Variant Classification Scheme 2023. Collection method: clinical testing. Allele origin: germline.
Comment: The p.D136H variant (also known as c.406G>C), located in coding exon 2 of the PHOX2B gene, results from a G to C substitution at nucleotide position 406. The aspartic acid at codon 136 is replaced by histidine, an amino acid with similar properties. This amino acid position is conserved. In addition, this alteration is predicted to be deleterious by in silico analysis. Based on the available evidence, the clinical significance of this alteration remains unclear.